The following is an entry in ClinVar:

ClinVar aggregate classification (germline): Likely benign (0 of 4 stars; one submission).

Conditions:
CENPT-related disorder. Also called: CENPT-related condition.

Allele frequency attached by ClinVar (database versions not stated): 1000 Genomes Project 0.00020; 1000 Genomes Project 30x 0.00031; TOPMed 0.00078; gnomAD 0.00088; ExAC 0.00095; ESP Exome Variant Server 0.00119; gnomAD exomes 0.00141.
gnomAD v4.1: 2,158 of 1,613,808 alleles (0.13%); highest among the groups gnomAD compares: Non-Finnish European, 0.17%; 5 homozygotes.

Submission:

PreventionGenetics, part of Exact Sciences
Classification: Likely benign for CENPT-related condition. Last evaluated: 2022-05-10. Review status: no assertion criteria provided. Collection method: clinical testing. Allele origin: germline.
Comment: This variant is classified as likely benign based on ACMG/AMP sequence variant interpretation guidelines (Richards et al. 2015 PMID: 25741868, with internal and published modifications).

NM_025082.4(CENPT):c.707T>C (p.Ile236Thr)

Gene: CENPT (centromere protein T; minus strand). Cytogenetic location: 16q22.1.
Variant type: single nucleotide variant.
Coding change: c.707T>C on transcript NM_025082.4 (MANE Select); coding-DNA position 707, T replaced by C.
Protein change: p.Ile236Thr; replaces isoleucine 236 with threonine.
Molecular consequence: missense variant.
Genome position (GRCh38, 1-based): chr16:67,830,545, A>G on the plus strand (T>C on the coding strand, the complement: CENPT is on the minus strand). VCF-style: chr16-67830545-A-G. GRCh37 (hg19) VCF-style: chr16-67864448-A-G.
Other names: short protein forms I236T.
Identifiers: ClinVar variation 3050166 (VCV003050166.2), dbSNP rs186354372, ClinGen allele CA8117763.